The following is an entry in ClinVar:

ClinVar aggregate classification (germline): Uncertain significance (1 of 4 stars; one submission).

Allele frequency attached by ClinVar (database versions not stated): TOPMed below 0.00001; gnomAD 0.00001 and 0.00003; gnomAD exomes 0.00001 and 0.00004; ExAC 0.00011; 1000 Genomes Project 30x 0.00031; 1000 Genomes Project 0.00040.
gnomAD v4.1: 15 of 1,571,796 alleles (0.00095%); highest among the groups gnomAD compares: South Asian, 0.013%; no homozygotes.

Submission:

Labcorp Genetics (formerly Invitae), Labcorp
Classification: Uncertain significance. Last evaluated: 2024-10-24. Review status: criteria provided, single submitter. Criteria: Invitae Variant Classification Sherloc (09022015). Collection method: clinical testing. Allele origin: germline.
Comment: This sequence change replaces glutamic acid, which is acidic and polar, with lysine, which is basic and polar, at codon 82 of the FSCN2 protein (p.Glu82Lys). This variant is present in population databases (rs562230281, gnomAD 0.02%). This variant has not been reported in the literature in individuals affected with FSCN2-related conditions. ClinVar contains an entry for this variant (Variation ID: 1431689). An algorithm developed to predict the effect of missense changes on protein structure and function (PolyPhen-2) suggests that this variant is likely to be tolerated. In summary, the available evidence is currently insufficient to determine the role of this variant in disease. Therefore, it has been classified as a Variant of Uncertain Significance.

NM_012418.4(FSCN2):c.244G>A (p.Glu82Lys)

Gene: FSCN2 (fascin actin-bundling protein 2, retinal; plus strand). Cytogenetic location: 17q25.3.
Variant type: single nucleotide variant.
Coding change: c.244G>A on transcript NM_012418.4 (MANE Select); coding-DNA position 244, G replaced by A.
Protein change: p.Glu82Lys; replaces glutamic acid 82 with lysine.
Molecular consequence: missense variant.
Genome position (GRCh38, 1-based): chr17:81,528,775, G>A. VCF-style: chr17-81528775-G-A. GRCh37 (hg19) VCF-style: chr17-79495801-G-A.
Other names: c.244G>A, p.Glu82Lys (NM_001077182.3); short protein forms E82K.
Identifiers: ClinVar variation 1431689 (VCV001431689.6), dbSNP rs562230281, ClinGen allele CA8836622.
Genomic context (GRCh38, chr17:81,528,775, plus strand): 5'-AGCAGCCACCTGGGCCGCTACCTGTCGGCAGAAGAGGACGGGCGCGTGGCCTGTGAGGCA[G>A]AGCAGCCGGGCCGTGACTGCCGCTTCCTGGTCCTGCCGCAGCCAGATGGGCGCTGGGTGC-3'
Protein context (NP_036550.1, residues 72-92): EEDGRVACEA[Glu82Lys]QPGRDCRFLV